The following is an entry in ClinVar:

ClinVar aggregate classification (germline): Likely pathogenic (1 of 4 stars; one submission).

Conditions:
Hereditary cancer-predisposing syndrome. Also called: Tumor predisposition; Neoplastic Syndromes, Hereditary; Hereditary neoplastic syndrome; Hereditary Cancer Syndrome. Identifiers: Orphanet 140162, MedGen C0027672, MeSH D009386, MONDO:0015356.

Submission:

Ambry Genetics
Classification: Likely pathogenic for Hereditary cancer-predisposing syndrome. Last evaluated: 2024-10-11. Review status: criteria provided, single submitter. Criteria: Ambry Variant Classification Scheme 2023. Collection method: clinical testing. Allele origin: germline.
Comment: The c.5420_5423dupTGTG variant (also known as p.*1808Cext*78), located in coding exon 41 of the TSC2 gene, results from a termination codon to cysteine substitution at codon 1808. This alteration disrupts the stop codon of the TSC2 gene and is predicted to preserve the native sequence while resulting in the elongation of the protein by 77 amino acids. This variant has been observed in at least one individual with a personal and/or family history that is consistent with tuberous sclerosis complex (TSC) (Ambry internal data). A similar variant, TSC2 c.5420_5423delTG, which results in a similar elongation (p.*1808Aext*76) has been observed in individuals with TSC and has been shown to result in reduced TSC1/2 protein binding (Goedbloed MA et al. Eur J Hum Genet. 2001 Nov;9(11):823-8; Niida Y et al. J Hum Genet. 2013 Apr;58(4):216-25; Ding, Y et al. Front Genet. 2020 Mar;11:204). This variant is considered to be rare based on population cohorts in the Genome Aggregation Database (gnomAD). Based on the majority of available evidence to date, this variant is likely to be pathogenic.

Literature cited by the submitters: PubMed 11781698; PubMed 23389244; PubMed 32211034.

NM_000548.5(TSC2):c.5420_5423dup (p.Ter1808CysextTer?)

Gene: TSC2 (TSC complex subunit 2; plus strand). Cytogenetic location: 16p13.3.
Variant type: Microsatellite.
Coding change: c.5420_5423dup on transcript NM_000548.5 (MANE Select); coding-DNA positions 5420 to 5423, 4 bases duplicated (TGTG; older notation c.5420_5423dupTGTG).
Protein change: p.Ter1808CysextTer?.
Molecular consequence: frameshift variant, stop lost. On other transcripts: non-coding transcript variant (5).
Genome position (GRCh38, 1-based): chr16:2,088,606-2,088,609, TGTG duplicated; duplicating any 4 consecutive bases within chr16:2,088,604-2,088,609 gives the same sequence; the c. name uses the placement nearest the transcript's 3' end. VCF-style (leftmost placement, unchanged base first): chr16-2088603-T-TTGTG. GRCh37 (hg19) VCF-style: chr16-2138604-T-TTGTG.
Other names: c.5418_5419TG[5], p.Ter1808Cysfs (NM_000548.3); c.5219_5222dup, p.Ter1741CysextTer? (NM_001077183.3); c.5351_5354dup, p.Ter1785CysextTer? (NM_001114382.3); c.5111_5114dup, p.Ter1705CysextTer? (NM_001318827.2); c.5075_5078dup, p.Ter1693CysextTer? (NM_001318829.2); c.4688_4691dup, p.Ter1564CysextTer? (NM_001318831.2); c.5252_5255dup, p.Ter1752CysextTer? (NM_001318832.2); c.5222_5225dup, p.Ter1742CysextTer? (NM_001363528.2); and 29 more.
Identifiers: ClinVar variation 3462632 (VCV003462632.1).